The following is an entry in ClinVar:

ClinVar aggregate classification (germline): Uncertain significance (1 of 4 stars; one submission).

gnomAD v4.1: 9 of 1,613,924 alleles (0.00056%); highest among the groups gnomAD compares: South Asian, 0.0088%; no homozygotes.

Submission:

Labcorp Genetics (formerly Invitae), Labcorp
Classification: Uncertain significance. Last evaluated: 2024-08-05. Review status: criteria provided, single submitter. Criteria: Invitae Variant Classification Sherloc (09022015). Collection method: clinical testing. Allele origin: germline.
Comment: This sequence change replaces asparagine, which is neutral and polar, with serine, which is neutral and polar, at codon 916 of the MAGEL2 protein (p.Asn916Ser). This variant is present in population databases (rs770724034, gnomAD 0.02%). This variant has not been reported in the literature in individuals affected with MAGEL2-related conditions. Advanced modeling of protein sequence and biophysical properties (such as structural, functional, and spatial information, amino acid conservation, physicochemical variation, residue mobility, and thermodynamic stability) performed at Invitae indicates that this missense variant is not expected to disrupt MAGEL2 protein function with a negative predictive value of 80%. In summary, the available evidence is currently insufficient to determine the role of this variant in disease. Therefore, it has been classified as a Variant of Uncertain Significance.

NM_019066.5(MAGEL2):c.2747A>G (p.Asn916Ser)

Gene: MAGEL2 (MAGE family member L2; minus strand). Cytogenetic location: 15q11.2.
Variant type: single nucleotide variant.
Coding change: c.2747A>G on transcript NM_019066.5 (MANE Select); coding-DNA position 2747, A replaced by G.
Protein change: p.Asn916Ser; replaces asparagine 916 with serine.
Molecular consequence: missense variant.
Genome position (GRCh38, 1-based): chr15:23,644,996, T>C on the plus strand (A>G on the coding strand, the complement: MAGEL2 is on the minus strand). VCF-style: chr15-23644996-T-C. GRCh37 (hg19) VCF-style: chr15-23890143-T-C.
Other names: short protein forms N916S.
Identifiers: ClinVar variation 3702655 (VCV003702655.2).